The following is an entry in ClinVar:

NM_198576.4(AGRN):c.4379C>A (p.Ser1460Tyr)

Gene: AGRN (agrin; plus strand). Cytogenetic location: 1p36.33.
Variant type: single nucleotide variant.
Coding change: c.4379C>A on transcript NM_198576.4 (MANE Select); coding-DNA position 4379, C replaced by A.
Protein change: p.Ser1460Tyr; replaces serine 1460 with tyrosine.
Molecular consequence: missense variant.
Genome position (GRCh38, 1-based): chr1:1,049,316, C>A. VCF-style: chr1-1049316-C-A. GRCh37 (hg19) VCF-style: chr1-984696-C-A.
Other names: c.4379C>A, p.Ser1460Tyr (NM_001305275.2); c.4064C>A, p.Ser1355Tyr (NM_001364727.2); short protein forms S1460Y, S1355Y.
Identifiers: ClinVar variation 474133 (VCV000474133.8), dbSNP rs1553177633, ClinGen allele CA337777219.

ClinVar aggregate classification (germline): Uncertain significance (1 of 4 stars; one submission).

Conditions:
Congenital myasthenic syndrome 8. Also called: MYASTHENIC SYNDROME, CONGENITAL, DUE TO AGRIN DEFICIENCY; Myasthenic syndrome, congenital, 8, with pre- and postsynaptic defects. Identifiers: Orphanet 590, MedGen C3808739, MONDO:0014052, OMIM 615120.

Allele frequency attached by ClinVar (database versions not stated): TOPMed below 0.00001.
gnomAD v4.1: 1 of 1,597,570 alleles (0.000063%); highest among the groups gnomAD compares: Non-Finnish European, 0.000085%; no homozygotes.

Submission:

Labcorp Genetics (formerly Invitae), Labcorp
Classification: Uncertain significance for Congenital myasthenic syndrome 8. Last evaluated: 2022-08-10. Review status: criteria provided, single submitter. Criteria: Invitae Variant Classification Sherloc (09022015). Collection method: clinical testing. Allele origin: germline.
Comment: This sequence change replaces serine, which is neutral and polar, with tyrosine, which is neutral and polar, at codon 1460 of the AGRN protein (p.Ser1460Tyr). This variant is not present in population databases (gnomAD no frequency). This variant has not been reported in the literature in individuals affected with AGRN-related conditions. ClinVar contains an entry for this variant (Variation ID: 474133). Algorithms developed to predict the effect of missense changes on protein structure and function are either unavailable or do not agree on the potential impact of this missense change (SIFT: "Deleterious"; PolyPhen-2: "Probably Damaging"; Align-GVGD: "Class C0"). In summary, the available evidence is currently insufficient to determine the role of this variant in disease. Therefore, it has been classified as a Variant of Uncertain Significance.